The following is an entry in ClinVar:

ClinVar aggregate classification (germline): Likely pathogenic (1 of 4 stars; one submission).

Submission:

CeGaT Center for Human Genetics Tuebingen
Classification: Likely pathogenic. Last evaluated: 2026-04-01. Review status: criteria provided, single submitter. Criteria: CeGaT Center For Human Genetics Tuebingen Variant Classification Criteria Version 2. Collection method: clinical testing. Allele origin: germline. Affected: yes. Observed: 1 variant allele.
Comment: AGR2: PM2, PM3, PVS1:Moderate

NM_006408.4(AGR2):c.330+1del

Gene: AGR2 (anterior gradient 2, protein disulphide isomerase family member; minus strand). Cytogenetic location: 7p21.1.
Variant type: Deletion.
Coding change: c.330+1del on transcript NM_006408.4 (MANE Select); the canonical splice donor site of the intron after coding-DNA position 330, one base deleted (G; older notation c.330+1delG).
Molecular consequence: splice donor variant.
Genome position (GRCh38, 1-based): chr7:16,799,743, C deleted on the plus strand (G on the coding strand, the reverse complement: AGR2 is on the minus strand). VCF-style (leftmost placement, unchanged base first): chr7-16799742-AC-A. GRCh37 (hg19) VCF-style: chr7-16839366-AC-A.
Identifiers: ClinVar variation 4874531 (VCV004874531.2).